The following is an entry in ClinVar:

NM_004553.6(NDUFS6):c.233G>A (p.Ser78Asn)

Gene: NDUFS6 (NADH:ubiquinone oxidoreductase subunit S6; plus strand). Cytogenetic location: 5p15.33.
Variant type: single nucleotide variant.
Coding change: c.233G>A on transcript NM_004553.6 (MANE Select); coding-DNA position 233, G replaced by A.
Protein change: p.Ser78Asn; replaces serine 78 with asparagine.
Molecular consequence: missense variant.
Genome position (GRCh38, 1-based): chr5:1,814,385, G>A. VCF-style: chr5-1814385-G-A. GRCh37 (hg19) VCF-style: chr5-1814499-G-A.
Other names: short protein forms S78N.
Identifiers: ClinVar variation 1929644 (VCV001929644.5), dbSNP rs2477240380, ClinGen allele CA359089093.

ClinVar aggregate classification (germline): Uncertain significance (1 of 4 stars; one submission).

Submission:

Labcorp Genetics (formerly Invitae), Labcorp
Classification: Uncertain significance. Last evaluated: 2023-07-21. Review status: criteria provided, single submitter. Criteria: Invitae Variant Classification Sherloc (09022015). Collection method: clinical testing. Allele origin: germline.
Comment: Algorithms developed to predict the effect of missense changes on protein structure and function output the following: SIFT: "Not Available"; PolyPhen-2: "Benign"; Align-GVGD: "Not Available". The asparagine amino acid residue is found in multiple mammalian species, which suggests that this missense change does not adversely affect protein function. In summary, the available evidence is currently insufficient to determine the role of this variant in disease. Therefore, it has been classified as a Variant of Uncertain Significance. ClinVar contains an entry for this variant (Variation ID: 1929644). This sequence change replaces serine, which is neutral and polar, with asparagine, which is neutral and polar, at codon 78 of the NDUFS6 protein (p.Ser78Asn). This variant is not present in population databases (gnomAD no frequency). This variant has not been reported in the literature in individuals affected with NDUFS6-related conditions.